The following is an entry in ClinVar:

NM_004369.4(COL6A3):c.3755G>A (p.Arg1252His)

Gene: COL6A3 (collagen type VI alpha 3 chain; minus strand). Cytogenetic location: 2q37.3.
Variant type: single nucleotide variant.
Coding change: c.3755G>A on transcript NM_004369.4 (MANE Select); coding-DNA position 3755, G replaced by A.
Protein change: p.Arg1252His; replaces arginine 1252 with histidine.
Molecular consequence: missense variant.
Genome position (GRCh38, 1-based): chr2:237,372,262, C>T on the plus strand (G>A on the coding strand, the complement: COL6A3 is on the minus strand). VCF-style: chr2-237372262-C-T. GRCh37 (hg19) VCF-style: chr2-238280905-C-T.
Other names: c.2534G>A, p.Arg845His (NM_057164.5); c.3137G>A, p.Arg1046His (NM_057165.5, NM_057167.4); c.1934G>A, p.Arg645His (NM_057166.5); short protein forms R1252H, R1046H, R645H, R845H.
Identifiers: ClinVar variation 289573 (VCV000289573.17), dbSNP rs201314411, ClinGen allele CA2189081.

ClinVar aggregate classification (germline): Conflicting classifications of pathogenicity. Review status: criteria provided, conflicting classifications (1 of 4 stars). 4 submissions from 4 submitters: Uncertain significance (3); Likely benign (1). Last evaluated 2024-12-08.

Conditions:
Bethlem myopathy 1A. Also called: MYOPATHY, BENIGN CONGENITAL, WITH CONTRACTURES; Bethlem myopathy 1; Bethlem Muscular Dystrophy. Identifiers: Orphanet 610, MedGen CN029274, MONDO:0024530, OMIM 158810.

Allele frequency attached by ClinVar (database versions not stated): TOPMed 0.00005; gnomAD exomes 0.00013 and 0.00024; ESP Exome Variant Server 0.00015; 1000 Genomes Project 30x 0.00016; 1000 Genomes Project 0.00020; ExAC 0.00029; gnomAD 0.00034 and 0.00036.
gnomAD v4.1: 239 of 1,613,638 alleles (0.015%); highest among the groups gnomAD compares: Non-Finnish European, 0.0069%; no homozygotes.

Submissions (4):

Labcorp Genetics (formerly Invitae), Labcorp
Classification: Likely benign for Bethlem myopathy 1A. Last evaluated: 2024-12-08. Review status: criteria provided, single submitter. Criteria: Invitae Variant Classification Sherloc (09022015). Collection method: clinical testing. Allele origin: germline.

Blueprint Genetics
Classification: Uncertain significance. Last evaluated: 2024-09-30. Review status: criteria provided, single submitter. Criteria: ACMG Guidelines, 2015. Collection method: clinical testing. Allele origin: germline.

GeneDx
Classification: Uncertain significance. Last evaluated: 2022-10-04. Review status: criteria provided, single submitter. Criteria: GeneDx Variant Classification Process June 2021. Collection method: clinical testing. Allele origin: germline. Affected: yes.
Comment: In silico analysis supports that this missense variant has a deleterious effect on protein structure/function; Has not been previously published as pathogenic or benign to our knowledge; This variant is associated with the following publications: (PMID: 30564623)

Eurofins Ntd Llc (ga)
Classification: Uncertain significance. Last evaluated: 2016-07-26. Review status: criteria provided, single submitter. Criteria: EGL Classification Definitions 2015. Collection method: clinical testing. Allele origin: germline. Observed: 1 variant allele, 1 heterozygote.